The following is an entry in ClinVar:

ClinVar aggregate classification (germline): Uncertain significance (1 of 4 stars; one submission).

Submission:

GeneDx
Classification: Uncertain significance. Last evaluated: 2023-06-18. Review status: criteria provided, single submitter. Criteria: GeneDx Variant Classification Process June 2021. Collection method: clinical testing. Allele origin: germline. Affected: yes.
Comment: Not observed at significant frequency in large population cohorts (gnomAD); In silico analysis supports that this missense variant does not alter protein structure/function; Has not been previously published as pathogenic or benign to our knowledge

NM_030665.4(RAI1):c.613C>G (p.Gln205Glu)

Gene: RAI1 (retinoic acid induced 1; plus strand). Cytogenetic location: 17p11.2.
Variant type: single nucleotide variant.
Coding change: c.613C>G on transcript NM_030665.4 (MANE Select); coding-DNA position 613, C replaced by G.
Protein change: p.Gln205Glu; replaces glutamine 205 with glutamic acid.
Molecular consequence: missense variant.
Genome position (GRCh38, 1-based): chr17:17,793,561, C>G. VCF-style: chr17-17793561-C-G. GRCh37 (hg19) VCF-style: chr17-17696875-C-G.
Other names: short protein forms Q205E.
Identifiers: ClinVar variation 3360004 (VCV003360004.1).